The following is an entry in ClinVar:

ClinVar aggregate classification (germline): Uncertain significance (1 of 4 stars; one submission).

Conditions:
Neurofibromatosis, type 1 (NF1). Also called: VON RECKLINGHAUSEN DISEASE; NEUROFIBROMATOSIS, TYPE I, SOMATIC; Peripheral type neurofibromatosis; Neurofibromatosis, type I. Identifiers: Orphanet 636, MedGen C0027831, MONDO:0018975, OMIM 162200. Disease mechanism: loss of function.

Allele frequency attached by ClinVar (database versions not stated): gnomAD exomes below 0.00001; ExAC 0.00001.
gnomAD v4.1: 1 of 1,613,698 alleles (0.000062%); highest among the groups gnomAD compares: South Asian, 0.0011%; no homozygotes.

Submission:

Labcorp Genetics (formerly Invitae), Labcorp
Classification: Uncertain significance for Neurofibromatosis, type 1. Last evaluated: 2021-08-31. Review status: criteria provided, single submitter. Criteria: Invitae Variant Classification Sherloc (09022015). Collection method: clinical testing. Allele origin: germline.
Comment: This sequence change falls in intron 11 of the NF1 gene. It does not directly change the encoded amino acid sequence of the NF1 protein. It affects a nucleotide within the consensus splice site of the intron. This variant is present in population databases (rs761761583, ExAC 0.006%). This variant has not been reported in the literature in individuals affected with NF1-related conditions. ClinVar contains an entry for this variant (Variation ID: 237512). Variants that disrupt the consensus splice site are a relatively common cause of aberrant splicing (PMID: 17576681, 9536098). Algorithms developed to predict the effect of sequence changes on RNA splicing suggest that this variant is not likely to affect RNA splicing. In summary, the available evidence is currently insufficient to determine the role of this variant in disease. Therefore, it has been classified as a Variant of Uncertain Significance.

Literature cited by the submitters: PubMed 17576681; PubMed 9536098.

NM_001042492.3(NF1):c.1261-3T>A

Gene: NF1 (neurofibromin 1; plus strand). Cytogenetic location: 17q11.2.
Variant type: single nucleotide variant.
Coding change: c.1261-3T>A on transcript NM_001042492.3 (MANE Select); 3 bases into the intron before coding-DNA position 1261, T replaced by A.
Molecular consequence: intron variant.
Genome position (GRCh38, 1-based): chr17:31,206,237, T>A. VCF-style: chr17-31206237-T-A. GRCh37 (hg19) VCF-style: chr17-29533255-T-A.
Other names: c.1261-3T>A (NM_000267.4, NM_001128147.3).
Identifiers: ClinVar variation 237512 (VCV000237512.5), dbSNP rs761761583, ClinGen allele CA8485741.